The following is an entry in ClinVar:

ClinVar aggregate classification (germline): Pathogenic (1 of 4 stars; one submission).

Conditions:
Melanoma, cutaneous malignant, susceptibility to, 8. Also called: MELANOMA AND RENAL CELL CARCINOMA, SUSCEPTIBILITY TO; Cutaneous malignant melanoma 8. Identifiers: Orphanet 293822, MedGen C3152204, MONDO:0013759, OMIM 614456.
Tietz syndrome (TADS). Also called: HYPOPIGMENTATION/DEAFNESS OF TIETZ; ALBINISM-DEAFNESS OF TIETZ; TIETZ ALBINISM-DEAFNESS SYNDROME. Identifiers: Orphanet 42665, MedGen C0391816, MONDO:0007077, OMIM 103500.
Waardenburg syndrome type 2A (WS2A). Also called: WAARDENBURG SYNDROME WITHOUT DYSTOPIA CANTHORUM. Identifiers: Orphanet 3440, MedGen C1860339, MONDO:0008671, OMIM 193510.

Submission:

Labcorp Genetics (formerly Invitae), Labcorp
Classification: Pathogenic for Melanoma, cutaneous malignant, susceptibility to, 8; Waardenburg syndrome type 2A; Tietz syndrome. Last evaluated: 2019-02-26. Review status: criteria provided, single submitter. Criteria: Invitae Variant Classification Sherloc (09022015). Collection method: clinical testing. Allele origin: germline.
Comment: For these reasons, this variant has been classified as Pathogenic. Loss-of-function variants in MITF are known to be pathogenic (PMID: 8659547, 20127975). This variant has not been reported in the literature in individuals with MITF-related conditions. This variant is not present in population databases (ExAC no frequency). This sequence change creates a premature translational stop signal (p.Tyr130Leufs*2) in the MITF gene. It is expected to result in an absent or disrupted protein product.

Literature cited by the submitters: PubMed 8659547; PubMed 20127975.

NM_001354604.2(MITF):c.709dup (p.Tyr237fs)

Gene: MITF (melanocyte inducing transcription factor; plus strand). Cytogenetic location: 3p13.
Variant type: Duplication.
Coding change: c.709dup on transcript NM_001354604.2 (MANE Select); coding-DNA position 709, one base duplicated (T; older notation c.709dupT).
Protein change: p.Tyr237fs; shifts the reading frame from tyrosine 237.
Molecular consequence: frameshift variant.
Genome position (GRCh38, 1-based): chr3:69,941,278, T duplicated; the last of 2 consecutive T bases (chr3:69,941,277-69,941,278); duplicating either gives the same sequence. VCF-style (leftmost placement, unchanged base first): chr3-69941276-G-GT. GRCh37 (hg19) VCF-style: chr3-69990427-G-GT.
Other names: c.388dup, p.Tyr130fs (NM_000248.4, NM_198158.3); c.553dup, p.Tyr185fs (NM_001184967.2, NM_001354608.2); c.706dup, p.Tyr236fs (NM_001354605.2, NM_001354606.2, NM_006722.3); c.658dup, p.Tyr220fs (NM_001354607.2); c.709dup, p.Tyr237fs (NM_198159.3); c.661dup, p.Tyr221fs (NM_198177.3); c.220dup, p.Tyr74fs (NM_198178.3); short protein forms Y185fs, Y220fs, Y221fs, Y74fs, Y130fs, Y236fs, Y237fs.
Identifiers: ClinVar variation 864796 (VCV000864796.6), dbSNP rs2065962813, ClinGen allele CA916082295.